The following is an entry in ClinVar:

ClinVar aggregate classification (germline): Conflicting classifications of pathogenicity. Review status: criteria provided, conflicting classifications (1 of 4 stars). 2 submissions from 2 submitters: Pathogenic (1); Uncertain significance (1). Last evaluated 2025-07-30.

Conditions:
Autism spectrum disorder. Also called: Autism spectrum disorders. Identifiers: MedGen C1510586, MeSH D000067877, MONDO:0005258.
Inborn genetic diseases. Identifiers: MedGen C0950123, MeSH D030342.

Allele frequency attached by ClinVar (database versions not stated): gnomAD exomes below 0.00001.

Submissions (2):

Ambry Genetics
Classification: Pathogenic for Inborn genetic diseases. Last evaluated: 2025-07-30. Review status: criteria provided, single submitter. Criteria: Ambry Variant Classification Scheme 2023. Collection method: clinical testing. Allele origin: germline.
Comment: The c.2236C>T (p.R746*) alteration, located in exon 21 (coding exon 21) of the SMARCC1 gene, consists of a C to T substitution at nucleotide position 2236. This changes the amino acid from an arginine (R) to a stop codon at amino acid position 746. This alteration is expected to result in loss of function by premature protein truncation or nonsense-mediated mRNA decay. Based on data from gnomAD, the T allele has an overall frequency of <0.001% (1/250432) total alleles studied. The highest observed frequency was 0.001% (1/113388) of European (non-Finnish) alleles. Based on the available evidence, this alteration is classified as pathogenic.

Department of Genetics, Rouen University Hospital, Normandy Center for Genomic and Personalized Medicine
Classification: Uncertain significance for Autism spectrum disorder. Last evaluated: 2022-05-10. Review status: criteria provided, single submitter. Criteria: ACMG Guidelines, 2015. Collection method: clinical testing. Allele origin: paternal. Affected: yes.

NM_003074.4(SMARCC1):c.2236C>T (p.Arg746Ter)

Gene: SMARCC1 (SWI/SNF related BAF chromatin remodeling complex subunit C1; minus strand). Cytogenetic location: 3p21.31.
Variant type: single nucleotide variant.
Coding change: c.2236C>T on transcript NM_003074.4 (MANE Select); coding-DNA position 2236, C replaced by T.
Protein change: p.Arg746Ter; replaces arginine 746 with a stop codon.
Molecular consequence: nonsense.
Genome position (GRCh38, 1-based): chr3:47,661,378, G>A on the plus strand (C>T on the coding strand, the complement: SMARCC1 is on the minus strand). VCF-style: chr3-47661378-G-A. GRCh37 (hg19) VCF-style: chr3-47702868-G-A.
Other names: short protein forms R746*.
Identifiers: ClinVar variation 2429857 (VCV002429857.3), dbSNP rs761674987, ClinGen allele CA352577085.